The following is an entry in ClinVar:

ClinVar aggregate classification (germline): Uncertain significance (1 of 4 stars; one submission).

Conditions:
Ehlers-Danlos syndrome, classic type, 1 (EDSCL1). Also called: EHLERS-DANLOS SYNDROME, GRAVIS TYPE; EHLERS-DANLOS SYNDROME, SEVERE CLASSIC TYPE; Ehlers-Danlos syndrome, type 1; Ehlers-Danlos Syndrome, Classic Type, COL5A1-Related; EDS I. Identifiers: MedGen C0268335, MONDO:0019567, OMIM 130000.

Submission:

Labcorp Genetics (formerly Invitae), Labcorp
Classification: Uncertain significance for Ehlers-Danlos syndrome, classic type, 1. Last evaluated: 2024-01-02. Review status: criteria provided, single submitter. Criteria: Invitae Variant Classification Sherloc (09022015). Collection method: clinical testing. Allele origin: germline.
Comment: This sequence change replaces isoleucine, which is neutral and non-polar, with valine, which is neutral and non-polar, at codon 61 of the COL5A2 protein (p.Ile61Val). This variant is not present in population databases (gnomAD no frequency). This variant has not been reported in the literature in individuals affected with COL5A2-related conditions. Advanced modeling of protein sequence and biophysical properties (such as structural, functional, and spatial information, amino acid conservation, physicochemical variation, residue mobility, and thermodynamic stability) performed at Invitae indicates that this missense variant is not expected to disrupt COL5A2 protein function with a negative predictive value of 80%. In summary, the available evidence is currently insufficient to determine the role of this variant in disease. Therefore, it has been classified as a Variant of Uncertain Significance.

NM_000393.5(COL5A2):c.181A>G (p.Ile61Val)

Gene: COL5A2 (collagen type V alpha 2 chain; minus strand). Cytogenetic location: 2q32.2.
Variant type: single nucleotide variant.
Coding change: c.181A>G on transcript NM_000393.5 (MANE Select); coding-DNA position 181, A replaced by G.
Protein change: p.Ile61Val; replaces isoleucine 61 with valine.
Molecular consequence: missense variant.
Genome position (GRCh38, 1-based): chr2:189,110,366, T>C on the plus strand (A>G on the coding strand, the complement: COL5A2 is on the minus strand). VCF-style: chr2-189110366-T-C. GRCh37 (hg19) VCF-style: chr2-189975092-T-C.
Other names: short protein forms I61V.
Identifiers: ClinVar variation 2793981 (VCV002793981.3), dbSNP rs1687237119, ClinGen allele CA349868287.